The following is an entry in ClinVar:

ClinVar aggregate classification (germline): Conflicting classifications of pathogenicity. Review status: criteria provided, conflicting classifications (1 of 4 stars). 2 submissions from 2 submitters: Uncertain significance (1); Likely benign (1). Last evaluated 2025-02-07.

Conditions:
Hereditary cancer-predisposing syndrome. Also called: Neoplastic Syndromes, Hereditary; Hereditary Cancer Syndrome; Hereditary neoplastic syndrome; Tumor predisposition. Identifiers: Orphanet 140162, MedGen C0027672, MeSH D009386, MONDO:0015356.

Submissions (2):

Ambry Genetics
Classification: Likely benign for Hereditary cancer-predisposing syndrome. Last evaluated: 2025-02-07. Review status: criteria provided, single submitter. Criteria: Ambry Variant Classification Scheme 2023. Collection method: clinical testing. Allele origin: germline.

Labcorp Genetics (formerly Invitae), Labcorp
Classification: Uncertain significance. Last evaluated: 2024-05-13. Review status: criteria provided, single submitter. Criteria: Invitae Variant Classification Sherloc (09022015). Collection method: clinical testing. Allele origin: germline.
Comment: This sequence change replaces alanine, which is neutral and non-polar, with aspartic acid, which is acidic and polar, at codon 2198 of the POLE protein (p.Ala2198Asp). This variant is not present in population databases (gnomAD no frequency). This variant has not been reported in the literature in individuals affected with POLE-related conditions. ClinVar contains an entry for this variant (Variation ID: 540803). Advanced modeling of protein sequence and biophysical properties (such as structural, functional, and spatial information, amino acid conservation, physicochemical variation, residue mobility, and thermodynamic stability) performed at Invitae indicates that this missense variant is not expected to disrupt POLE protein function with a negative predictive value of 80%. In summary, the available evidence is currently insufficient to determine the role of this variant in disease. Therefore, it has been classified as a Variant of Uncertain Significance.

NM_006231.4(POLE):c.6593C>A (p.Ala2198Asp)

Gene: POLE (DNA polymerase epsilon, catalytic subunit; minus strand). Cytogenetic location: 12q24.33.
Variant type: single nucleotide variant.
Coding change: c.6593C>A on transcript NM_006231.4 (MANE Select); coding-DNA position 6593, C replaced by A.
Protein change: p.Ala2198Asp; replaces alanine 2198 with aspartic acid.
Molecular consequence: missense variant.
Genome position (GRCh38, 1-based): chr12:132,625,709, G>T on the plus strand (C>A on the coding strand, the complement: POLE is on the minus strand). VCF-style: chr12-132625709-G-T. GRCh37 (hg19) VCF-style: chr12-133202295-G-T.
Other names: short protein forms A2198D.
Identifiers: ClinVar variation 540803 (VCV000540803.10), dbSNP rs1555301083, ClinGen allele CA387366670.